The following is an entry in ClinVar:

ClinVar aggregate classification (germline): Pathogenic (1 of 4 stars; one submission).

Conditions:
Nemaline myopathy 2 (NEM2). Also called: Nemaline myopathy 2, autosomal recessive. Identifiers: MedGen C1850569, MONDO:0009725, OMIM 256030.

Submission:

Labcorp Genetics (formerly Invitae), Labcorp
Classification: Pathogenic for Nemaline myopathy 2. Last evaluated: 2024-03-17. Review status: criteria provided, single submitter. Criteria: Invitae Variant Classification Sherloc (09022015). Collection method: clinical testing. Allele origin: germline.
Comment: This variant occurs in a region of NEB (Exons 82-105) consisting of three highly homologous 8-exon repeat units (exons 82-89, exons 90-97, exons 98-105). Sequence variants in this region can be detected, but this assay cannot determine which of the three repeat units is affected, and zygosity is often ambiguous. All variants in this region are reported relative to the exon 82-89 repeat. This sequence change creates a premature translational stop signal (p.Glu4371Glyfs*17) in the NEB gene. It is expected to result in an absent or disrupted protein product. Loss-of-function variants in NEB are known to be pathogenic (PMID: 25205138). The frequency data for this variant in the population databases (gnomAD) is considered unreliable due to the presence of homologous sequence, such as pseudogenes or paralogs, in the genome. This variant has not been reported in the literature in individuals affected with NEB-related conditions. For these reasons, this variant has been classified as Pathogenic.

Literature cited by the submitters: PubMed 25205138.

NM_001164508.2(NEB):c.13112_13113del (p.Glu4371fs)

Gene: NEB (nebulin; minus strand). Cytogenetic location: 2q23.3.
Variant type: Microsatellite.
Coding change: c.13112_13113del on transcript NM_001164508.2 (MANE Select); coding-DNA positions 13112 to 13113, 2 bases deleted (AG; older notation c.13112_13113delAG).
Protein change: p.Glu4371fs; shifts the reading frame from glutamic acid 4371.
Molecular consequence: frameshift variant. On other transcripts: intron variant (1).
Genome position (GRCh38, 1-based): chr2:151,603,719-151,603,720, CT deleted on the plus strand (AG on the coding strand, the reverse complement: NEB is on the minus strand); deleting any 2 consecutive bases within chr2:151,603,719-151,603,722 gives the same sequence; the c. name uses the placement nearest the transcript's 3' end. VCF-style (leftmost placement, unchanged base first): chr2-151603718-CCT-C. GRCh37 (hg19) VCF-style: chr2-152460232-CCT-C.
Other names: c.13112_13113del, p.Glu4371fs (NM_001164507.2, NM_001271208.2); c.11601+6089_11601+6090del (NM_004543.5); short protein forms E4371fs.
Identifiers: ClinVar variation 3646476 (VCV003646476.2).